The following is an entry in ClinVar:

ClinVar aggregate classification (germline): Likely pathogenic (1 of 4 stars; one submission).

Submission:

GeneDx
Classification: Likely pathogenic. Last evaluated: 2018-02-19. Review status: criteria provided, single submitter. Criteria: GeneDx Variant Classification (06012015). Collection method: clinical testing. Allele origin: germline. Affected: yes.
Comment: The c.1537-2 A>C splice site variant in the EXT1 gene destroys the canonical splice acceptor site in intron 6. It is predicted to cause abnormal gene splicing, either leading to an abnormal message that is subject to nonsense-mediated mRNA decay, or to an abnormal protein product if the message is used for protein translation. The variant is not observed in large population cohorts (Lek et al., 2016). Splicing variants in the same residue (c.1537-2 A>T, c.1537-2 A>G) and nearby residues (c.1537-1 G>T) have been reported in the Human Gene Mutation Database in association with HME (Stenson et al., 2014), supporting the functional importance of this region of the protein. In summary, we consider this variant to be likely pathogenic.

NM_000127.3(EXT1):c.1537-2A>C

Gene: EXT1 (exostosin glycosyltransferase 1; minus strand). Cytogenetic location: 8q24.11.
Variant type: single nucleotide variant.
Coding change: c.1537-2A>C on transcript NM_000127.3 (MANE Select); the canonical splice acceptor site of the intron before coding-DNA position 1537, A replaced by C.
Molecular consequence: splice acceptor variant.
Genome position (GRCh38, 1-based): chr8:117,818,532, T>G on the plus strand (A>C on the coding strand, the complement: EXT1 is on the minus strand). VCF-style: chr8-117818532-T-G. GRCh37 (hg19) VCF-style: chr8-118830771-T-G.
Identifiers: ClinVar variation 504408 (VCV000504408.1), dbSNP rs1554578710, ClinGen allele CA371883596.